The following is an entry in ClinVar:

NM_001029896.2(WDR45):c.698G>A (p.Arg233Gln)

Gene: WDR45 (WD repeat domain 45; minus strand). Cytogenetic location: Xp11.23.
Variant type: single nucleotide variant.
Coding change: c.698G>A on transcript NM_001029896.2 (MANE Select); coding-DNA position 698, G replaced by A.
Protein change: p.Arg233Gln; replaces arginine 233 with glutamine.
Molecular consequence: missense variant.
Genome position (GRCh38, 1-based): chrX:49,075,572, C>T on the plus strand (G>A on the coding strand, the complement: WDR45 is on the minus strand). VCF-style: chrX-49075572-C-T. GRCh37 (hg19) VCF-style: chrX-48933231-C-T.
Other names: c.701G>A (NM_007075.3); c.701G>A, p.Arg234Gln (NM_007075.4); short protein forms R233Q, R234Q.
Identifiers: ClinVar variation 2166896 (VCV002166896.6), dbSNP rs2520261349, ClinGen allele CA412943543.

ClinVar aggregate classification (germline): Conflicting classifications of pathogenicity. Review status: criteria provided, conflicting classifications (1 of 4 stars). 2 submissions from 2 submitters: Likely pathogenic (1); Uncertain significance (1). Last evaluated 2026-04-06.

Conditions:
Neurodegeneration with brain iron accumulation 5 (NBIA5). Also called: STATIC ENCEPHALOPATHY OF CHILDHOOD WITH NEURODEGENERATION IN ADULTHOOD; Beta-propeller protein-associated neurodegeneration. Identifiers: Orphanet 329284, MedGen C3550973, MONDO:0010476, OMIM 300894.

Allele frequency attached by ClinVar (database versions not stated): gnomAD exomes below 0.00001.
gnomAD v4.1: 1 of 1,211,696 alleles (0.000083%); highest among the groups gnomAD compares: Non-Finnish European, 0.00011%; no homozygotes.

Submissions (2):

GeneDx
Classification: Likely pathogenic. Last evaluated: 2026-04-06. Review status: criteria provided, single submitter. Criteria: GeneDx Variant Classification Process June 2021. Collection method: clinical testing. Allele origin: germline.
Comment: Not observed at significant frequency in large population cohorts (gnomAD); In silico analysis supports that this missense variant has a deleterious effect on protein structure/function; Has not been previously published as pathogenic or benign to our knowledge

Labcorp Genetics (formerly Invitae), Labcorp
Classification: Uncertain significance for Neurodegeneration with brain iron accumulation 5. Last evaluated: 2022-09-09. Review status: criteria provided, single submitter. Criteria: Invitae Variant Classification Sherloc (09022015). Collection method: clinical testing. Allele origin: germline.
Comment: In summary, the available evidence is currently insufficient to determine the role of this variant in disease. Therefore, it has been classified as a Variant of Uncertain Significance. Advanced modeling of protein sequence and biophysical properties (such as structural, functional, and spatial information, amino acid conservation, physicochemical variation, residue mobility, and thermodynamic stability) performed at Invitae indicates that this missense variant is expected to disrupt WDR45 protein function. This variant has not been reported in the literature in individuals affected with WDR45-related conditions. This variant is not present in population databases (gnomAD no frequency). This sequence change replaces arginine, which is basic and polar, with glutamine, which is neutral and polar, at codon 234 of the WDR45 protein (p.Arg234Gln).